The following is an entry in ClinVar:

NM_006440.5(TXNRD2):c.516del (p.Gly173fs)

Gene: TXNRD2 (thioredoxin reductase 2; minus strand). Cytogenetic location: 22q11.21.
Variant type: Deletion.
Coding change: c.516del on transcript NM_006440.5 (MANE Select); coding-DNA position 516, one base deleted (A; older notation c.516delA).
Protein change: p.Gly173fs; shifts the reading frame from glycine 173.
Molecular consequence: frameshift variant. On other transcripts: non-coding transcript variant (1).
Genome position (GRCh38, 1-based): chr22:19,915,777, T deleted on the plus strand (A on the coding strand, the reverse complement: TXNRD2 is on the minus strand); the first of 3 consecutive T bases (chr22:19,915,777-19,915,779); deleting any one gives the same sequence. VCF-style (leftmost placement, unchanged base first): chr22-19915776-CT-C. GRCh37 (hg19) VCF-style: chr22-19903299-CT-C.
Other names: c.516del, p.Gly173fs (NM_001282512.3); c.513del, p.Gly172fs (NM_001352300.2); c.426del, p.Gly143fs (NM_001352301.2); c.228del, p.Gly77fs (NM_001352302.2); c.420del, p.Gly141fs (NM_001352303.2); c.516delA (NM_006440.3); short protein forms G77fs, G173fs, G141fs, G143fs, G172fs.
Identifiers: ClinVar variation 1745785 (VCV001745785.2), dbSNP rs1317408863, ClinGen allele CA751491780.

ClinVar aggregate classification (germline): Uncertain significance (1 of 4 stars; one submission).

Conditions:
Cardiovascular phenotype. Identifiers: MedGen CN230736.

Submission:

Ambry Genetics
Classification: Uncertain significance for Cardiovascular phenotype. Last evaluated: 2022-02-17. Review status: criteria provided, single submitter. Criteria: Ambry Variant Classification Scheme 2023. Collection method: clinical testing. Allele origin: germline.
Comment: The c.516delA variant, located in coding exon 6 of the TXNRD2 gene, results from a deletion of one nucleotide at nucleotide position 516, causing a translational frameshift with a predicted alternate stop codon (p.G173Vfs*42). This alteration is expected to result in loss of function by premature protein truncation or nonsense-mediated mRNA decay. However, the evidence for this gene-disease relationship is limited; therefore, the clinical significance of this alteration is unclear.